The following is an entry in ClinVar:

Conditions:
Long QT syndrome 5 (LQT5). Identifiers: Orphanet 101016, Orphanet 768, MedGen C1867904, MONDO:0013372, OMIM 613695.

Submission:

Roden Lab, Vanderbilt University Medical Center
No classification provided (evidence only). Condition: Long QT syndrome 5. Review status: no classification provided. Collection method: in vitro. Allele origin: not applicable. Functional consequence: Effect on ion channel function.
ClinVar note: "not provided" was previously submitted as the classification for the variant. However, the classification appeared to be based only on an observation of functional data so it was converted to no classification on 2025-07-30.

NM_000219.6(KCNE1):c.68A>C (p.Gln23Pro)

Gene: KCNE1 (potassium voltage-gated channel subfamily E regulatory subunit 1; minus strand). Cytogenetic location: 21q22.12.
Variant type: single nucleotide variant.
Coding change: c.68A>C on transcript NM_000219.6 (MANE Select); coding-DNA position 68, A replaced by C.
Protein change: p.Gln23Pro; replaces glutamine 23 with proline.
Molecular consequence: missense variant.
Genome position (GRCh38, 1-based): chr21:34,449,567, T>G on the plus strand (A>C on the coding strand, the complement: KCNE1 is on the minus strand). VCF-style: chr21-34449567-T-G. GRCh37 (hg19) VCF-style: chr21-35821865-T-G.
Other names: c.68A>C, p.Gln23Pro (NM_001127668.4, NM_001127669.4, NM_001127670.4 and 4 more transcripts); short protein forms Q23P.
Identifiers: ClinVar variation 3373958 (VCV003373958.2).